The following is an entry in ClinVar:

NM_001006630.2(CHRM2):c.106G>T (p.Val36Leu)

Genes: CHRM2 (cholinergic receptor muscarinic 2; plus strand), LOC349160 (uncharacterized LOC349160; minus strand). Cytogenetic location: 7q33.
Variant type: single nucleotide variant.
Coding change: c.106G>T on transcript NM_001006630.2 (MANE Select); coding-DNA position 106, G replaced by T.
Protein change: p.Val36Leu; replaces valine 36 with leucine.
Molecular consequence: missense variant.
Genome position (GRCh38, 1-based): chr7:137,014,971, G>T. VCF-style: chr7-137014971-G-T. GRCh37 (hg19) VCF-style: chr7-136699718-G-T.
Other names: c.106G>T, p.Val36Leu (NM_000739.3, NM_001006626.3, NM_001006627.3 and 6 more transcripts); short protein forms V36L.
Identifiers: ClinVar variation 2849000 (VCV002849000.3), dbSNP rs758540579, ClinGen allele CA4500499.

ClinVar aggregate classification (germline): Uncertain significance (1 of 4 stars; one submission).

Allele frequency attached by ClinVar (database versions not stated): ExAC 0.00001; TOPMed 0.00001; gnomAD 0.00002.
gnomAD v4.1: 5 of 1,613,130 alleles (0.00031%); highest among the groups gnomAD compares: Non-Finnish European, 0.00042%; no homozygotes.

Submission:

Labcorp Genetics (formerly Invitae), Labcorp
Classification: Uncertain significance. Last evaluated: 2023-11-13. Review status: criteria provided, single submitter. Criteria: Invitae Variant Classification Sherloc (09022015). Collection method: clinical testing. Allele origin: germline.
Comment: This sequence change replaces valine, which is neutral and non-polar, with leucine, which is neutral and non-polar, at codon 36 of the CHRM2 protein (p.Val36Leu). This variant is present in population databases (rs758540579, gnomAD 0.003%). This variant has not been reported in the literature in individuals affected with CHRM2-related conditions. An algorithm developed to predict the effect of missense changes on protein structure and function (PolyPhen-2) suggests that this variant is likely to be tolerated. In summary, the available evidence is currently insufficient to determine the role of this variant in disease. Therefore, it has been classified as a Variant of Uncertain Significance.